The following is an entry in ClinVar:

ClinVar aggregate classification (germline): Uncertain significance (1 of 4 stars; one submission).

Allele frequency attached by ClinVar (database versions not stated): gnomAD exomes below 0.00001.

Submission:

Labcorp Genetics (formerly Invitae), Labcorp
Classification: Uncertain significance. Last evaluated: 2023-09-17. Review status: criteria provided, single submitter. Criteria: Invitae Variant Classification Sherloc (09022015). Collection method: clinical testing. Allele origin: germline.
Comment: This sequence change replaces isoleucine, which is neutral and non-polar, with asparagine, which is neutral and polar, at codon 1633 of the ANKRD26 protein (p.Ile1633Asn). This variant is not present in population databases (gnomAD no frequency). This variant has not been reported in the literature in individuals affected with ANKRD26-related conditions. An algorithm developed to predict the effect of missense changes on protein structure and function (PolyPhen-2) suggests that this variant is likely to be tolerated. In summary, the available evidence is currently insufficient to determine the role of this variant in disease. Therefore, it has been classified as a Variant of Uncertain Significance.

NM_014915.3(ANKRD26):c.4898T>A (p.Ile1633Asn)

Gene: ANKRD26 (ankyrin repeat domain 26; minus strand). Cytogenetic location: 10p12.1.
Variant type: single nucleotide variant.
Coding change: c.4898T>A on transcript NM_014915.3 (MANE Select); coding-DNA position 4898, T replaced by A.
Protein change: p.Ile1633Asn; replaces isoleucine 1633 with asparagine.
Molecular consequence: missense variant.
Genome position (GRCh38, 1-based): chr10:27,012,937, A>T on the plus strand (T>A on the coding strand, the complement: ANKRD26 is on the minus strand). VCF-style: chr10-27012937-A-T. GRCh37 (hg19) VCF-style: chr10-27301866-A-T.
Other names: c.4895T>A, p.Ile1632Asn (NM_001256053.2); short protein forms I1632N, I1633N.
Identifiers: ClinVar variation 2779211 (VCV002779211.3), dbSNP rs2538524789, ClinGen allele CA376354475.